The following is an entry in ClinVar:

ClinVar aggregate classification (germline): Likely pathogenic (1 of 4 stars; one submission).

Conditions:
Usher syndrome type 1B (USH1B). Also called: Usher syndrome type IB. Identifiers: MedGen C1848638, MONDO:0700087.

Submission:

Natera, Inc.
Classification: Likely pathogenic for Usher syndrome type 1B. Last evaluated: 2025-11-10. Review status: criteria provided, single submitter. Criteria: Natera Variant Classification Schema (03/2026). Collection method: clinical testing. Allele origin: germline.
Comment: The c.6248_6258delinsA variant in MYO7A is a frameshift variant predicted to shift the reading frame beginning at codon 2083 and leads to a stop codon 16 codons downstream. This variant is expected to result in nonsense mediated decay, truncation, or a dysfunctional protein product. This variant is rare in the general population with a frequency below the threshold expected for the associated phenotype(s). Given the available evidence, this variant is classified as Likely Pathogenic.

NM_000260.4(MYO7A):c.6248_6258delinsA (p.Ala2083fs)

Gene: MYO7A (myosin VIIA; plus strand). Cytogenetic location: 11q13.5.
Variant type: Indel.
Coding change: c.6248_6258delinsA on transcript NM_000260.4 (MANE Select); coding-DNA positions 6248 to 6258, CCTACTTCAAC replaced by A.
Protein change: p.Ala2083fs; shifts the reading frame from alanine 2083.
Molecular consequence: frameshift variant.
Genome position (GRCh38, 1-based): chr11:77,211,831-77,211,841, CCTACTTCAAC replaced by A. VCF-style: chr11-77211831-CCTACTTCAAC-A. GRCh37 (hg19) VCF-style: chr11-76922876-CCTACTTCAAC-A.
Other names: c.6134_6144delinsA, p.Ala2045fs (NM_001127180.2); c.6101_6111delinsA, p.Ala2034fs (NM_001369365.1); short protein forms A2034fs, A2045fs, A2083fs.
Identifiers: ClinVar variation 4818035 (VCV004818035.1).
Genomic context (GRCh38, chr11:77,211,831, plus strand): 5'-CAGGCCTGTCCCCAGGACTGAGCCCAGCCCTGACCGCCCTGTCCCCATAGTCCATCGTCG[CCTACTTCAAC>A]AAGCACGCAGGGAAGTCCAAGGAGGAGGCCAAGCTGGCCTTCCTGAAGCTCATCTTCAAG-3'